The following is an entry in ClinVar:

ClinVar aggregate classification (germline): Conflicting classifications of pathogenicity. Review status: criteria provided, conflicting classifications (1 of 4 stars). 2 submissions from 2 submitters: Uncertain significance (1); Likely benign (1). Last evaluated 2025-08-24.

Conditions:
Inborn genetic diseases. Identifiers: MedGen C0950123, MeSH D030342.
Intellectual developmental disorder, autosomal recessive 3. Also called: Intellectual disability, autosomal recessive 3. Identifiers: Orphanet 88616, MedGen C1838023, MONDO:0012037, OMIM 608443.

Allele frequency attached by ClinVar (database versions not stated): ExAC 0.00006; 1000 Genomes Project 30x 0.00062; gnomAD 0.00023; 1000 Genomes Project 0.00060; gnomAD exomes 0.00002 and 0.00007; TOPMed 0.00025.
gnomAD v4.1: 64 of 1,613,560 alleles (0.004%); highest among the groups gnomAD compares: African/African-American, 0.083%; no homozygotes.

Submissions (2):

Ambry Genetics
Classification: Likely benign for Inborn genetic diseases. Last evaluated: 2025-08-24. Review status: criteria provided, single submitter. Criteria: Ambry Variant Classification Scheme 2023. Collection method: clinical testing. Allele origin: germline.

Baylor Genetics
Classification: Uncertain significance for Intellectual developmental disorder, autosomal recessive 3. Last evaluated: 2019-10-25. Review status: criteria provided, single submitter. Criteria: ACMG Guidelines, 2015. Collection method: clinical testing. Allele origin: unknown. Affected: yes.
Comment: This variant was determined to be of uncertain significance according to ACMG Guidelines, 2015 [PMID:25741868].

NM_017721.5(CC2D1A):c.2495C>G (p.Ala832Gly)

Gene: CC2D1A (coiled-coil and C2 domain containing 1A; plus strand). Cytogenetic location: 19p13.12.
Variant type: single nucleotide variant.
Coding change: c.2495C>G on transcript NM_017721.5 (MANE Select); coding-DNA position 2495, C replaced by G.
Protein change: p.Ala832Gly; replaces alanine 832 with glycine.
Molecular consequence: missense variant.
Genome position (GRCh38, 1-based): chr19:13,928,164, C>G. VCF-style: chr19-13928164-C-G. GRCh37 (hg19) VCF-style: chr19-14038977-C-G.
Other names: short protein forms A832G.
Identifiers: ClinVar variation 1030587 (VCV001030587.4), dbSNP rs187418052, ClinGen allele CA9245098.